The following is an entry in ClinVar:

ClinVar aggregate classification (germline): Uncertain significance. Review status: criteria provided, multiple submitters, no conflicts (2 of 4 stars). 2 submissions from 2 submitters: Uncertain significance (2). Last evaluated 2025-07-13.

Conditions:
Hereditary spastic paraplegia 30. Identifiers: Orphanet 101010, MedGen C5235139, MONDO:0012476.
Neuropathy, hereditary sensory, type 2C. Also called: Hereditary sensory and autonomic neuropathy type IIC; KIF1A-Related HSAN2 (HSAN2C). Identifiers: Orphanet 970, MedGen C3280168, MONDO:0013634, OMIM 614213.
Intellectual disability, autosomal dominant 9 (NESCAVS). Also called: KIF1A-Related Neurodevelopmental Disorder; NESCAV SYNDROME. Identifiers: Orphanet 662367, MedGen C5393830, MONDO:0013656, OMIM 614255.

Allele frequency attached by ClinVar (database versions not stated): TOPMed below 0.00001; gnomAD 0.00001.
gnomAD v4.1: 19 of 1,596,806 alleles (0.0012%); highest among the groups gnomAD compares: East Asian, 0.0023%; no homozygotes.

Submissions (2):

Labcorp Genetics (formerly Invitae), Labcorp
Classification: Uncertain significance for Hereditary spastic paraplegia 30; Neuropathy, hereditary sensory, type 2C; Intellectual disability, autosomal dominant 9. Last evaluated: 2025-07-13. Review status: criteria provided, single submitter. Criteria: Invitae Variant Classification Sherloc (09022015). Collection method: clinical testing. Allele origin: germline.
Comment: This sequence change replaces arginine, which is basic and polar, with cysteine, which is neutral and slightly polar, at codon 782 of the KIF1A protein (p.Arg782Cys). The frequency data for this variant in the population databases is considered unreliable, as metrics indicate poor data quality at this position in the gnomAD database. This variant has not been reported in the literature in individuals affected with KIF1A-related conditions. ClinVar contains an entry for this variant (Variation ID: 1023968). Invitae Evidence Modeling of protein sequence and biophysical properties (such as structural, functional, and spatial information, amino acid conservation, physicochemical variation, residue mobility, and thermodynamic stability) has been performed for this missense variant. However, the output from this modeling did not meet the statistical confidence thresholds required to predict the impact of this variant on KIF1A protein function. In summary, the available evidence is currently insufficient to determine the role of this variant in disease. Therefore, it has been classified as a Variant of Uncertain Significance.

CeGaT Center for Human Genetics Tuebingen
Classification: Uncertain significance. Last evaluated: 2023-10-01. Review status: criteria provided, single submitter. Criteria: CeGaT Center For Human Genetics Tuebingen Variant Classification Criteria Version 2. Collection method: clinical testing. Allele origin: germline. Affected: yes. Observed: 1 variant allele.
Comment: KIF1A: PM2

NM_001244008.2(KIF1A):c.2371C>T (p.Arg791Cys)

Gene: KIF1A (kinesin family member 1A; minus strand). Cytogenetic location: 2q37.3.
Variant type: single nucleotide variant.
Coding change: c.2371C>T on transcript NM_001244008.2 (MANE Select); coding-DNA position 2371, C replaced by T.
Protein change: p.Arg791Cys; replaces arginine 791 with cysteine.
Molecular consequence: missense variant.
Genome position (GRCh38, 1-based): chr2:240,760,738, G>A on the plus strand (C>T on the coding strand, the complement: KIF1A is on the minus strand). VCF-style: chr2-240760738-G-A. GRCh37 (hg19) VCF-style: chr2-241700155-G-A.
Other names: c.2371C>T, p.Arg791Cys (NM_001320705.2, NM_001330289.2, NM_001379638.1); c.2446C>T, p.Arg816Cys (NM_001330290.2, NM_001379631.1, NM_001379634.1 and 2 more transcripts); c.2344C>T, p.Arg782Cys (NM_001379632.1, NM_001379633.1, NM_001379636.1 and 10 more transcripts); c.2419C>T, p.Arg807Cys (NM_001379637.1, NM_001379648.1); short protein forms R782C, R791C, R807C, R816C.
Identifiers: ClinVar variation 1023968 (VCV001023968.33), dbSNP rs768035823, ClinGen allele CA2208116.